The following is an entry in ClinVar:

NM_182493.3(MYLK3):c.1985+2T>C

Gene: MYLK3 (myosin light chain kinase 3; minus strand). Cytogenetic location: 16q11.2.
Variant type: single nucleotide variant.
Coding change: c.1985+2T>C on transcript NM_182493.3 (MANE Select); the canonical splice donor site of the intron after coding-DNA position 1985, T replaced by C.
Molecular consequence: splice donor variant.
Genome position (GRCh38, 1-based): chr16:46,721,121, A>G on the plus strand (T>C on the coding strand, the complement: MYLK3 is on the minus strand). VCF-style: chr16-46721121-A-G. GRCh37 (hg19) VCF-style: chr16-46755033-A-G.
Other names: c.962+2T>C (NM_001308301.1).
Identifiers: ClinVar variation 3727072 (VCV003727072.2).
Genomic context (GRCh38, chr16:46,721,121, plus strand): 5'-CCCAGAGAGCCACAAAGAGTCCCAAGGAATTTTGTTAAGGTATCTAAATAAAACCCCCTT[A>G]CCTTCTGGCCAGCCCAAAGTCAATGATCTTAATTTGATGTCCTGTCTGATTGACGCACAA-3'

ClinVar aggregate classification (germline): Uncertain significance (1 of 4 stars; one submission).

Submission:

Labcorp Genetics (formerly Invitae), Labcorp
Classification: Uncertain significance. Last evaluated: 2024-12-12. Review status: criteria provided, single submitter. Criteria: Invitae Variant Classification Sherloc (09022015). Collection method: clinical testing. Allele origin: germline.
Comment: This sequence change affects a donor splice site in intron 9 of the MYLK3 gene. It is expected to disrupt RNA splicing. Variants that disrupt the donor or acceptor splice site typically lead to a loss of protein function (PMID: 16199547), however the current clinical and genetic evidence is not sufficient to establish whether loss-of-function variants in MYLK3 cause disease. This variant is not present in population databases (gnomAD no frequency). This variant has not been reported in the literature in individuals affected with MYLK3-related conditions. Algorithms developed to predict the effect of sequence changes on RNA splicing suggest that this variant may disrupt the consensus splice site. In summary, the available evidence is currently insufficient to determine the role of this variant in disease. Therefore, it has been classified as a Variant of Uncertain Significance.

Literature cited by the submitters: PubMed 16199547.